The following is an entry in ClinVar:

NM_001372.4(DNAH9):c.12546C>T (p.Asn4182=)

Gene: DNAH9 (dynein axonemal heavy chain 9; plus strand). Cytogenetic location: 17p12.
Variant type: single nucleotide variant.
Coding change: c.12546C>T on transcript NM_001372.4 (MANE Select); coding-DNA position 12546, C replaced by T.
Protein change: p.Asn4182=; no amino-acid change (asparagine 4182 retained).
Molecular consequence: synonymous variant.
Genome position (GRCh38, 1-based): chr17:11,937,408, C>T. VCF-style: chr17-11937408-C-T. GRCh37 (hg19) VCF-style: chr17-11840725-C-T.
Other names: c.1482C>T, p.Asn494= (NM_004662.2); c.12546C>T (NM_001372.3).
Identifiers: ClinVar variation 1570664 (VCV001570664.10), dbSNP rs150711038, ClinGen allele CA8398184.

ClinVar aggregate classification (germline): Likely benign. Review status: criteria provided, single submitter (1 of 4 stars). 2 submissions from 2 submitters: Likely benign (1). 1 of the submissions does not count toward it. Last evaluated 2025-12-15.

Conditions:
DNAH9-related disorder. Also called: DNAH9-related condition.

Allele frequency attached by ClinVar (database versions not stated): gnomAD exomes 0.00004 and 0.00010; ExAC 0.00008; 1000 Genomes Project 30x 0.00016; 1000 Genomes Project 0.00020; gnomAD 0.00032; TOPMed 0.00032; ESP Exome Variant Server 0.00038.
gnomAD v4.1: 104 of 1,614,090 alleles (0.0064%); highest among the groups gnomAD compares: African/African-American, 0.12%; no homozygotes.

Submissions (2):

Labcorp Genetics (formerly Invitae), Labcorp
Classification: Likely benign. Last evaluated: 2025-12-15. Review status: criteria provided, single submitter. Criteria: Invitae Variant Classification Sherloc (09022015). Collection method: clinical testing. Allele origin: germline.

PreventionGenetics, part of Exact Sciences
Classification: Likely benign for DNAH9-related condition. Last evaluated: 2024-02-07. Review status: no assertion criteria provided. Collection method: clinical testing. Allele origin: germline. Not counted in ClinVar's aggregate classification.
Comment: This variant is classified as likely benign based on ACMG/AMP sequence variant interpretation guidelines (Richards et al. 2015 PMID: 25741868, with internal and published modifications).